The following is an entry in ClinVar:

ClinVar aggregate classification (germline): Uncertain significance (1 of 4 stars; one submission).

Submission:

Labcorp Genetics (formerly Invitae), Labcorp
Classification: Uncertain significance. Last evaluated: 2021-10-14. Review status: criteria provided, single submitter. Criteria: Invitae Variant Classification Sherloc (09022015). Collection method: clinical testing. Allele origin: germline.
Comment: This variant is a gross deletion of the genomic region encompassing exon(s) 3 of the RNF168 gene. This variant would be expected to be in-frame, preserving the integrity of the reading frame. This variant has not been reported in the literature in individuals affected with RNF168-related conditions. Experimental studies and prediction algorithms are not available or were not evaluated, and the functional significance of this variant is currently unknown. In summary, the available evidence is currently insufficient to determine the role of this variant in disease. Therefore, it has been classified as a Variant of Uncertain Significance.

NC_000003.11:g.(?_196214250)_(196214469_?)del

Gene: RNF168 (ring finger protein 168; minus strand). Cytogenetic location: 3q29.
Variant type: Deletion.
Identifiers: ClinVar variation 1412824 (VCV001412824.5).